The following is an entry in ClinVar:

NM_002843.4(PTPRJ):c.1650C>T (p.Tyr550=)

Gene: PTPRJ (protein tyrosine phosphatase receptor type J; plus strand). Cytogenetic location: 11p11.2.
Variant type: single nucleotide variant.
Coding change: c.1650C>T on transcript NM_002843.4 (MANE Select); coding-DNA position 1650, C replaced by T.
Protein change: p.Tyr550=; no amino-acid change (tyrosine 550 retained).
Molecular consequence: synonymous variant.
Genome position (GRCh38, 1-based): chr11:48,136,073, C>T. VCF-style: chr11-48136073-C-T. GRCh37 (hg19) VCF-style: chr11-48157625-C-T.
Identifiers: ClinVar variation 4987182 (VCV004987182.1).

ClinVar aggregate classification (germline): Likely benign (1 of 4 stars; one submission).

Conditions:
PTPRJ-related disorder. Also called: PTPRJ-related condition.

gnomAD v4.1: 3,998 of 1,614,146 alleles (0.25%); highest among the groups gnomAD compares: African/African-American, 0.073%; 94 homozygotes.

Submission:

PreventionGenetics, part of Exact Sciences
Classification: Likely benign for PTPRJ-related condition. Last evaluated: 2025-04-12. Review status: criteria provided, single submitter. Criteria: ACMG Guidelines, 2015. Collection method: clinical testing. Allele origin: germline.
Comment: This variant is classified as likely benign based on ACMG/AMP sequence variant interpretation guidelines (Richards et al. 2015 PMID: 25741868, with internal and published modifications).